The following is an entry in ClinVar:

NM_000400.4(ERCC2):c.2229G>C (p.Gln743His)

Gene: ERCC2 (ERCC excision repair 2, TFIIH core complex helicase subunit; minus strand). Cytogenetic location: 19q13.32.
Variant type: single nucleotide variant.
Coding change: c.2229G>C on transcript NM_000400.4 (MANE Select); coding-DNA position 2229, G replaced by C.
Protein change: p.Gln743His; replaces glutamine 743 with histidine.
Molecular consequence: missense variant.
Genome position (GRCh38, 1-based): chr19:45,351,683, C>G on the plus strand (G>C on the coding strand, the complement: ERCC2 is on the minus strand). VCF-style: chr19-45351683-C-G. GRCh37 (hg19) VCF-style: chr19-45854941-C-G.
Other names: short protein forms Q743H.
Identifiers: ClinVar variation 3231683 (VCV003231683.1), dbSNP rs2513994679, ClinGen allele CA406360446.

ClinVar aggregate classification (germline): Uncertain significance (1 of 4 stars; one submission).

Conditions:
Inborn genetic diseases. Identifiers: MedGen C0950123, MeSH D030342.

Submission:

Ambry Genetics
Classification: Uncertain significance for Inborn genetic diseases. Last evaluated: 2023-10-16. Review status: criteria provided, single submitter. Criteria: Ambry Variant Classification Scheme 2023. Collection method: clinical testing. Allele origin: germline.
Comment: The p.Q743H variant (also known as c.2229G>C), located in coding exon 23 of the ERCC2 gene, results from a G to C substitution at nucleotide position 2229. The glutamine at codon 743 is replaced by histidine, an amino acid with highly similar properties. This amino acid position is conserved. In addition, the in silico prediction for this alteration is inconclusive. Since supporting evidence is limited at this time, the clinical significance of this alteration remains unclear.